The following is an entry in ClinVar:

ClinVar aggregate classification (germline): Benign/Likely benign. Review status: criteria provided, multiple submitters, no conflicts (2 of 4 stars). 16 submissions from 16 submitters: Benign (10); Likely benign (3). 3 of the submissions do not count toward it. Last evaluated 2026-02-03.

Conditions:
Ehlers-Danlos syndrome (EDS). Identifiers: Orphanet 98249, MedGen C0013720, MONDO:0020066.
Familial thoracic aortic aneurysm and aortic dissection (TAAD). Also called: Thoracic aortic aneurysms and dissections. Identifiers: Orphanet 91387, MedGen C4707243, MONDO:0019625.
Marfan syndrome (MFS). Also called: MARFAN SYNDROME, TYPE I; FBN1-Related Marfan Syndrome; Marfan syndrome, classic; Marfan syndrome type 1; Marfan's syndrome. Identifiers: Orphanet 284963, Orphanet 558, MedGen C0024796, MONDO:0007947, OMIM 154700.
Loeys-Dietz syndrome 2 (LDS2). Also called: Marfan Syndrome type 2; Marfan like connective tissue disorder; MFS 2; AORTIC ANEURYSM, FAMILIAL THORACIC 3; MARFAN SYNDROME, TYPE II; Marfan syndrome, type 2 (formerly). Identifiers: Orphanet 284973, Orphanet 558, MedGen C2674574, MONDO:0012427, OMIM 610168.
Colorectal cancer, hereditary nonpolyposis, type 6. Also called: Colon cancer, hereditary nonpolyposis, type 6; Colon cancer, hereditary nonpolyposis, type 6, somatic. Identifiers: Orphanet 144, MedGen C1860896, MONDO:0013695, OMIM 614331.
Familial colorectal cancer. Identifiers: MedGen CN280943, MONDO:0023113. Disease mechanism: loss of function.

Allele frequency attached by ClinVar (database versions not stated): gnomAD 0.00034 and 0.00050; gnomAD exomes 0.00039 and 0.00112; TOPMed 0.00073; ExAC 0.00101; 1000 Genomes Project 30x 0.00281; 1000 Genomes Project 0.00300.
gnomAD v4.1: 652 of 1,614,120 alleles (0.04%); highest among the groups gnomAD compares: East Asian, 1.3%; 9 homozygotes.

Submissions (16):

Labcorp Genetics (formerly Invitae), Labcorp
Classification: Benign for Familial thoracic aortic aneurysm and aortic dissection. Last evaluated: 2026-02-03. Review status: criteria provided, single submitter. Criteria: Invitae Variant Classification Sherloc (09022015). Collection method: clinical testing. Allele origin: germline.

Blueprint Genetics
Classification: Likely benign. Last evaluated: 2024-10-31. Review status: criteria provided, single submitter. Criteria: ACMG Guidelines, 2015. Collection method: clinical testing. Allele origin: germline.

Women's Health and Genetics/Laboratory Corporation of America, LabCorp
Classification: Likely benign. Last evaluated: 2024-04-21. Review status: criteria provided, single submitter. Criteria: LabCorp Variant Classification Summary - May 2015. Collection method: clinical testing. Allele origin: germline.

Genomic Research Center, Shahid Beheshti University of Medical Sciences
Classification: Benign for Familial colorectal cancer. Last evaluated: 2023-12-10. Review status: criteria provided, single submitter. Criteria: ACMG Guidelines, 2015. Collection method: clinical testing. Allele origin: inherited. Affected: yes.

Athena Diagnostics
Classification: Benign. Last evaluated: 2023-10-27. Review status: criteria provided, single submitter. Criteria: Athena Diagnostics Criteria. Collection method: clinical testing. Allele origin: unknown.

Mendelics
Classification: Benign for Marfan syndrome. Last evaluated: 2023-08-22. Review status: criteria provided, single submitter. Criteria: Mendelics Assertion Criteria 2019. Collection method: clinical testing. Allele origin: germline.

CeGaT Center for Human Genetics Tuebingen
Classification: Benign. Last evaluated: 2023-04-01. Review status: criteria provided, single submitter. Criteria: CeGaT Center For Human Genetics Tuebingen Variant Classification Criteria Version 2. Collection method: clinical testing. Allele origin: germline. Affected: yes. Observed: 1 variant allele.
Comment: TGFBR2: BP4, BS1, BS2

CHEO Genetics Diagnostic Laboratory, Children's Hospital of Eastern Ontario
Classification: Benign for Familial thoracic aortic aneurysm and aortic dissection. Last evaluated: 2023-02-16. Review status: criteria provided, single submitter. Criteria: ACMG Guidelines, 2015. Collection method: clinical testing. Allele origin: germline.

Genome Diagnostics Laboratory, The Hospital for Sick Children
Classification: Benign for Ehlers-Danlos syndrome. Last evaluated: 2020-02-01. Review status: criteria provided, single submitter. Criteria: ACMG Guidelines, 2015. Collection method: clinical testing. Allele origin: germline.

Illumina Laboratory Services, Illumina
Classification: Likely benign for Loeys-Dietz syndrome 2. Last evaluated: 2019-01-10. Review status: criteria provided, single submitter. Criteria: ICSL Variant Classification Criteria 13 December 2019. Collection method: clinical testing. Allele origin: germline.
Comment: This variant was observed as part of a predisposition screen in an ostensibly healthy population. A literature search was performed for the gene, cDNA change, and amino acid change (where applicable). No publications were found based on this search. Allele frequency data from public databases allowed determination this variant is unlikely to cause disease. Therefore, this variant is classified as likely benign.

Ambry Genetics
Classification: Benign for Familial thoracic aortic aneurysm and aortic dissection. Last evaluated: 2018-09-25. Review status: criteria provided, single submitter. Criteria: Ambry Variant Classification Scheme 2023. Collection method: clinical testing. Allele origin: germline.

GeneDx
Classification: Benign. Last evaluated: 2018-06-18. Review status: criteria provided, single submitter. Criteria: GeneDx Variant Classification Process June 2021. Collection method: clinical testing. Allele origin: germline. Affected: yes.
Comment: This variant is associated with the following publications: (PMID: 17935258, 9590282, 22995991, 20144264, 15235604, 16251899, 18339844, 27647783, 31769227)

Color Diagnostics, LLC DBA Color Health
Classification: Benign for Familial thoracic aortic aneurysm and aortic dissection. Last evaluated: 2018-03-08. Review status: criteria provided, single submitter. Criteria: ACMG Guidelines, 2015. Collection method: clinical testing. Allele origin: germline.

Genome Diagnostics Laboratory, University Medical Center Utrecht
Classification: Likely benign. Review status: no assertion criteria provided. Collection method: clinical testing. Allele origin: germline. Affected: yes. Study: VKGL Data-share Consensus. Not counted in ClinVar's aggregate classification.

Laboratory of Diagnostic Genome Analysis, Leiden University Medical Center (LUMC)
Classification: Likely benign. Review status: no assertion criteria provided. Collection method: clinical testing. Allele origin: germline. Affected: yes. Study: VKGL Data-share Consensus. Not counted in ClinVar's aggregate classification.

OMIM
Classification: Pathogenic for COLORECTAL CANCER, HEREDITARY NONPOLYPOSIS, TYPE 6. Last evaluated: 1998-05-01. Review status: flagged submission. Collection method: literature only. Allele origin: germline. Not counted in ClinVar's aggregate classification.
ClinVar note: Reason: Outlier claim with insufficient supporting evidence

Literature cited by the submitters: PubMed 9590282 (cited by Athena Diagnostics and OMIM); PubMed 31769227 (cited by Athena Diagnostics); PubMed 36672844 (cited by Athena Diagnostics); PubMed 24465802 (cited by Athena Diagnostics); PubMed 20144264 (cited by Athena Diagnostics); PubMed 16283890 (cited by Athena Diagnostics); PubMed 15235604 (cited by Athena Diagnostics); PubMed 29192238 (cited by Athena Diagnostics); PubMed 29703253 (cited by Athena Diagnostics); PubMed 26580448 (cited by Athena Diagnostics); PubMed 31338350 (cited by Athena Diagnostics); PubMed 28218435 (cited by Athena Diagnostics); PubMed 10362519 (cited by Athena Diagnostics); PubMed 24470074 (cited by Athena Diagnostics); PubMed 17344846 (cited by Athena Diagnostics).

NM_003242.6(TGFBR2):c.944C>T (p.Thr315Met)

Gene: TGFBR2 (transforming growth factor beta receptor 2; plus strand). Cytogenetic location: 3p24.1.
Variant type: single nucleotide variant.
Coding change: c.944C>T on transcript NM_003242.6 (MANE Select); coding-DNA position 944, C replaced by T.
Protein change: p.Thr315Met; replaces threonine 315 with methionine.
Molecular consequence: missense variant.
Genome position (GRCh38, 1-based): chr3:30,672,127, C>T. VCF-style: chr3-30672127-C-T. GRCh37 (hg19) VCF-style: chr3-30713619-C-T.
Other names: c.1019C>T, p.Thr340Met (NM_001024847.3); c.1127C>T, p.Thr376Met (NM_001407126.1); c.1052C>T, p.Thr351Met (NM_001407127.1); c.971C>T, p.Thr324Met (NM_001407128.1); c.947C>T, p.Thr316Met (NM_001407129.1); c.944C>T, p.Thr315Met (NM_001407130.1); c.839C>T, p.Thr280Met (NM_001407132.1, NM_001407133.1, NM_001407134.1 and 2 more transcripts); c.659C>T, p.Thr220Met (NM_001407137.1); and 1 more; short protein forms T315M, T340M, T220M, T316M, T376M, T195M, T324M, T351M.
Identifiers: ClinVar variation 12502 (VCV000012502.71), dbSNP rs34833812, ClinGen allele CA020555.